The following is an entry in ClinVar:

NM_022455.5(NSD1):c.4076C>G (p.Ser1359Ter)

Gene: NSD1 (nuclear receptor binding SET domain protein 1; plus strand). Cytogenetic location: 5q35.3.
Variant type: single nucleotide variant.
Coding change: c.4076C>G on transcript NM_022455.5 (MANE Select); coding-DNA position 4076, C replaced by G.
Protein change: p.Ser1359Ter; replaces serine 1359 with a stop codon.
Molecular consequence: nonsense.
Genome position (GRCh38, 1-based): chr5:177,238,391, C>G. VCF-style: chr5-177238391-C-G. GRCh37 (hg19) VCF-style: chr5-176665392-C-G.
Other names: c.3203C>G, p.Ser1068Ter (NM_001365684.2, NM_001409306.1, NM_001409307.1 and 3 more transcripts); c.4076C>G, p.Ser1359Ter (NM_001409301.1, NM_001409302.1, NM_001409303.1); c.3656C>G, p.Ser1219Ter (NM_001409304.1); c.3323C>G, p.Ser1108Ter (NM_001409305.1); short protein forms S1359*, S1090*, S1108*, S1219*, S1068*.
Identifiers: ClinVar variation 159322 (VCV000159322.12), dbSNP rs587784110, ClinGen allele CA294866.

ClinVar aggregate classification (germline): Pathogenic. Review status: criteria provided, multiple submitters, no conflicts (2 of 4 stars). 2 submissions from 2 submitters: Pathogenic (2). Last evaluated 2021-11-08.

Conditions:
Sotos syndrome (SOTOS). Also called: Distinctive facial appearance, overgrowth in childhood, and learning disabilities or delayed development; CEREBRAL GIGANTISM; Sotos' syndrome; CHROMOSOME 5q35 DELETION SYNDROME; SOTOS SYNDROME 1. Identifiers: Orphanet 821, MedGen C0175695, MONDO:0019349, OMIM 117550.

Submissions (2):

Labcorp Genetics (formerly Invitae), Labcorp
Classification: Pathogenic. Last evaluated: 2021-11-08. Review status: criteria provided, single submitter. Criteria: Invitae Variant Classification Sherloc (09022015). Collection method: clinical testing. Allele origin: germline.
Comment: This sequence change creates a premature translational stop signal (p.Ser1359*) in the NSD1 gene. It is expected to result in an absent or disrupted protein product. Loss-of-function variants in NSD1 are known to be pathogenic (PMID: 12464997, 14571271, 15942875, 16247291). This variant is not present in population databases (gnomAD no frequency). This variant has not been reported in the literature in individuals affected with NSD1-related conditions. ClinVar contains an entry for this variant (Variation ID: 159322). For these reasons, this variant has been classified as Pathogenic.

Genetic Services Laboratory, University of Chicago
Classification: Pathogenic for Sotos syndrome 1. Last evaluated: 2013-02-08. Review status: criteria provided, single submitter. Criteria: ACMG Guidelines, 2007. Collection method: clinical testing. Allele origin: germline. Inheritance: Autosomal dominant inheritance. Affected: yes.

Literature cited by the submitters: PubMed 12464997 (cited by Labcorp Genetics (formerly Invitae), Labcorp); PubMed 14571271 (cited by Labcorp Genetics (formerly Invitae), Labcorp); PubMed 15942875 (cited by Labcorp Genetics (formerly Invitae), Labcorp); PubMed 16247291 (cited by Labcorp Genetics (formerly Invitae), Labcorp).